The following is an entry in ClinVar:

NM_006206.6(PDGFRA):c.307A>C (p.Asn103His)

Gene: PDGFRA (platelet derived growth factor receptor alpha; plus strand). Cytogenetic location: 4q12.
Variant type: single nucleotide variant.
Coding change: c.307A>C on transcript NM_006206.6 (MANE Select); coding-DNA position 307, A replaced by C.
Protein change: p.Asn103His; replaces asparagine 103 with histidine.
Molecular consequence: missense variant.
Genome position (GRCh38, 1-based): chr4:54,261,352, A>C. VCF-style: chr4-54261352-A-C. GRCh37 (hg19) VCF-style: chr4-55127519-A-C.
Other names: c.307A>C, p.Asn103His (NM_001347827.2, NM_001347829.2); c.382A>C, p.Asn128His (NM_001347828.2); c.346A>C, p.Asn116His (NM_001347830.2); short protein forms N116H, N103H, N128H.
Identifiers: ClinVar variation 963014 (VCV000963014.11), dbSNP rs1222128776, ClinGen allele CA356888880.

ClinVar aggregate classification (germline): Uncertain significance. Review status: criteria provided, multiple submitters, no conflicts (2 of 4 stars). 2 submissions from 2 submitters: Uncertain significance (2). Last evaluated 2025-03-31.

Conditions:
Gastrointestinal stromal tumor. Also called: Gastrointestinal stromal tumor, somatic; Gastrointestinal stroma tumor. Identifiers: Orphanet 44890, MedGen C0238198, MeSH D046152, MONDO:0011719, OMIM 606764, HP:0100723.
Hereditary cancer-predisposing syndrome. Also called: Hereditary neoplastic syndrome; Neoplastic Syndromes, Hereditary; Hereditary Cancer Syndrome; Tumor predisposition. Identifiers: Orphanet 140162, MedGen C0027672, MeSH D009386, MONDO:0015356.

Allele frequency attached by ClinVar (database versions not stated): TOPMed below 0.00001.

Submissions (2):

Ambry Genetics
Classification: Uncertain significance for Hereditary cancer-predisposing syndrome. Last evaluated: 2025-03-31. Review status: criteria provided, single submitter. Criteria: Ambry Variant Classification Scheme 2023. Collection method: clinical testing. Allele origin: germline.
Comment: The p.N103H variant (also known as c.307A>C), located in coding exon 2 of the PDGFRA gene, results from an A to C substitution at nucleotide position 307. The asparagine at codon 103 is replaced by histidine, an amino acid with similar properties. This amino acid position is conserved. In addition, this alteration is predicted to be tolerated by in silico analysis. Based on the available evidence, the clinical significance of this variant remains unclear.

Labcorp Genetics (formerly Invitae), Labcorp
Classification: Uncertain significance for Gastrointestinal stromal tumor. Last evaluated: 2023-07-25. Review status: criteria provided, single submitter. Criteria: Invitae Variant Classification Sherloc (09022015). Collection method: clinical testing. Allele origin: germline.
Comment: This sequence change replaces asparagine, which is neutral and polar, with histidine, which is basic and polar, at codon 103 of the PDGFRA protein (p.Asn103His). This variant is present in population databases (no rsID available, gnomAD 0.0009%). This variant has not been reported in the literature in individuals affected with PDGFRA-related conditions. ClinVar contains an entry for this variant (Variation ID: 963014). Advanced modeling of protein sequence and biophysical properties (such as structural, functional, and spatial information, amino acid conservation, physicochemical variation, residue mobility, and thermodynamic stability) performed at Invitae indicates that this missense variant is not expected to disrupt PDGFRA protein function. In summary, the available evidence is currently insufficient to determine the role of this variant in disease. Therefore, it has been classified as a Variant of Uncertain Significance.